The following is an entry in ClinVar:

ClinVar aggregate classification (germline): Pathogenic (1 of 4 stars; one submission).

Conditions:
Duchenne muscular dystrophy (DMD). Also called: MUSCULAR DYSTROPHY, PSEUDOHYPERTROPHIC PROGRESSIVE, DUCHENNE TYPE; Duchenne Muscular Dystrophy (DMD). Identifiers: Orphanet 98896, MedGen C0013264, MONDO:0010679, OMIM 310200.

Submission:

3billion
Classification: Pathogenic for Duchenne muscular dystrophy. Last evaluated: 2024-12-21. Review status: criteria provided, single submitter. Criteria: ACMG Guidelines, 2015. Collection method: clinical testing. Allele origin: germline. Affected: yes.
Comment: The variant is not observed in the gnomAD v4.1.0 dataset. Predicted Consequence/Location: Stop-gained (nonsense): predicted to result in a loss or disruption of normal protein function through nonsense-mediated decay (NMD) or protein truncation. Multiple pathogenic variants are reported downstream of the variant. The variant has been reported to be associated with DMD-related disorder (PMID: 28403181). Therefore, this variant is classified as Pathogenic according to the recommendation of ACMG/AMP guideline.

Literature cited by the submitters: PubMed 28403181.

NM_004006.3(DMD):c.7224dup (p.Glu2409Ter)

Gene: DMD (dystrophin; minus strand). Cytogenetic location: Xp21.1.
Variant type: Duplication.
Coding change: c.7224dup on transcript NM_004006.3 (MANE Select); coding-DNA position 7224, one base duplicated (T; older notation c.7224dupT).
Protein change: p.Glu2409Ter; replaces glutamic acid 2409 with a stop codon.
Molecular consequence: nonsense. On other transcripts: 5 prime UTR variant (5).
Genome position (GRCh38, 1-based): chrX:31,820,060, A duplicated on the plus strand (T on the coding strand, the reverse complement: DMD is on the minus strand). VCF-style (leftmost placement, unchanged base first): chrX-31820059-C-CA. GRCh37 (hg19) VCF-style: chrX-31838176-C-CA.
Other names: c.7200dup, p.Glu2401Ter (NM_000109.4); c.7212dup, p.Glu2405Ter (NM_004009.3); c.6855dup, p.Glu2286Ter (NM_004010.3); c.3201dup, p.Glu1068Ter (NM_004011.4); c.3192dup, p.Glu1065Ter (NM_004012.4); c.-157dup (NM_004013.3, NM_004020.4, NM_004021.3 and 2 more transcripts); short protein forms E1065*, E1068*, E2286*, E2401*, E2405*, E2409*.
Identifiers: ClinVar variation 4294012 (VCV004294012.1).
Genomic context (GRCh38, chrX:31,820,059, plus strand): 5'-GAGCTAGGTCAGGCTGCTTTGCCCTCAGCTCTTGAAGTAAACGGTTTACCGCCTTCCACT[C>CA]AGAGCTCAGATCTTCTAACTTCCTCTTTAACAGAAAAGCATACACATTACTTATTCGATT-3'